The following is an entry in ClinVar:

ClinVar aggregate classification (germline): Uncertain significance. Review status: criteria provided, multiple submitters, no conflicts (2 of 4 stars). 2 submissions from 2 submitters: Uncertain significance (2). Last evaluated 2025-10-06.

Conditions:
Inborn genetic diseases. Identifiers: MedGen C0950123, MeSH D030342.
T-cell immunodeficiency, congenital alopecia, and nail dystrophy. Also called: Congenital alopecia and nail dystrophy associated with severe functional T-cell immunodeficiency; Pignata Guarino syndrome. Identifiers: Orphanet 169095, MedGen C1866426, MONDO:0011132, OMIM 601705.

Allele frequency attached by ClinVar (database versions not stated): ExAC 0.00001; gnomAD exomes 0.00001; TOPMed 0.00001; gnomAD 0.00003 and 0.00004.
gnomAD v4.1: 26 of 1,613,618 alleles (0.0016%); highest among the groups gnomAD compares: Non-Finnish European, 0.0022%; no homozygotes.

Submissions (2):

Labcorp Genetics (formerly Invitae), Labcorp
Classification: Uncertain significance for T-cell immunodeficiency, congenital alopecia, and nail dystrophy. Last evaluated: 2025-10-06. Review status: criteria provided, single submitter. Criteria: Invitae Variant Classification Sherloc (09022015). Collection method: clinical testing. Allele origin: germline.
Comment: This sequence change replaces asparagine, which is neutral and polar, with lysine, which is basic and polar, at codon 544 of the FOXN1 protein (p.Asn544Lys). This variant is present in population databases (rs758240885, gnomAD 0.003%). This variant has not been reported in the literature in individuals affected with FOXN1-related conditions. ClinVar contains an entry for this variant (Variation ID: 964184). Invitae Evidence Modeling of protein sequence and biophysical properties (such as structural, functional, and spatial information, amino acid conservation, physicochemical variation, residue mobility, and thermodynamic stability) indicates that this missense variant is not expected to disrupt FOXN1 protein function with a negative predictive value of 80%. In summary, the available evidence is currently insufficient to determine the role of this variant in disease. Therefore, it has been classified as a Variant of Uncertain Significance.

Ambry Genetics
Classification: Uncertain significance for Inborn genetic diseases. Last evaluated: 2025-02-22. Review status: criteria provided, single submitter. Criteria: Ambry Variant Classification Scheme 2023. Collection method: clinical testing. Allele origin: germline.

NM_001369369.1(FOXN1):c.1632C>G (p.Asn544Lys)

Gene: FOXN1 (forkhead box N1; plus strand). Cytogenetic location: 17q11.2.
Variant type: single nucleotide variant.
Coding change: c.1632C>G on transcript NM_001369369.1 (MANE Select); coding-DNA position 1632, C replaced by G.
Protein change: p.Asn544Lys; replaces asparagine 544 with lysine.
Molecular consequence: missense variant.
Genome position (GRCh38, 1-based): chr17:28,537,121, C>G. VCF-style: chr17-28537121-C-G. GRCh37 (hg19) VCF-style: chr17-26864139-C-G.
Other names: c.1632C>G, p.Asn544Lys (NM_003593.3); short protein forms N544K.
Identifiers: ClinVar variation 964184 (VCV000964184.6), dbSNP rs758240885, ClinGen allele CA8459589.